The following is an entry in ClinVar:

NM_000179.3(MSH6):c.2829_2835dup (p.Glu946fs)

Gene: MSH6 (mutS homolog 6; plus strand). Cytogenetic location: 2p16.3.
Variant type: Duplication.
Coding change: c.2829_2835dup on transcript NM_000179.3 (MANE Select); coding-DNA positions 2829 to 2835, 7 bases duplicated (CATAAGA; older notation c.2829_2835dupCATAAGA).
Protein change: p.Glu946fs; shifts the reading frame from glutamic acid 946.
Molecular consequence: frameshift variant. On other transcripts: non-coding transcript variant (5), intron variant (2).
Genome position (GRCh38, 1-based): chr2:47,800,812-47,800,818, CATAAGA duplicated; duplicating any 7 consecutive bases within chr2:47,800,810-47,800,818 gives the same sequence; the c. name uses the placement nearest the transcript's 3' end. VCF-style (leftmost placement, unchanged base first): chr2-47800809-T-TGACATAA. GRCh37 (hg19) VCF-style: chr2-48027948-T-TGACATAA.
Other names: c.2439_2445dup, p.Glu816fs (NM_001281492.2); c.1923_1929dup, p.Glu644fs (NM_001281493.2, NM_001281494.2, NM_001406811.1 and 6 more transcripts); c.2925_2931dup, p.Glu978fs (NM_001406795.1, NM_001406802.1); c.2829_2835dup, p.Glu946fs (NM_001406796.1, NM_001406798.1, NM_001406800.1 and 2 more transcripts); c.2532_2538dup, p.Glu847fs (NM_001406797.1, NM_001406801.1, NM_001406805.1 and 10 more transcripts); c.2304_2310dup, p.Glu771fs (NM_001406799.1, NM_001406806.1, NM_001406807.1); c.2751_2757dup, p.Glu920fs (NM_001406804.1); c.2835_2841dup, p.Glu948fs (NM_001406813.1); and 5 more; short protein forms E946fs, E261fs, E920fs, E771fs, E890fs, E978fs, E644fs, E816fs.
Identifiers: ClinVar variation 3398894 (VCV003398894.1).

ClinVar aggregate classification (germline): Pathogenic (1 of 4 stars; one submission).

Conditions:
Hereditary cancer-predisposing syndrome. Also called: Hereditary Cancer Syndrome; Tumor predisposition; Hereditary neoplastic syndrome; Neoplastic Syndromes, Hereditary. Identifiers: Orphanet 140162, MedGen C0027672, MeSH D009386, MONDO:0015356.

Submission:

Ambry Genetics
Classification: Pathogenic for Hereditary cancer-predisposing syndrome. Last evaluated: 2024-08-30. Review status: criteria provided, single submitter. Criteria: Ambry Variant Classification Scheme 2023. Collection method: clinical testing. Allele origin: germline.
Comment: The c.2829_2835dupCATAAGA pathogenic mutation, located in coding exon 4 of the MSH6 gene, results from a duplication of CATAAGA at nucleotide position 2829, causing a translational frameshift with a predicted alternate stop codon (p.E946Hfs*5). This variant is considered to be rare based on population cohorts in the Genome Aggregation Database (gnomAD). This alteration is expected to result in loss of function by premature protein truncation or nonsense-mediated mRNA decay. As such, this alteration is interpreted as a disease-causing mutation.